The following is an entry in ClinVar:

NM_022455.5(NSD1):c.640A>G (p.Thr214Ala)

Gene: NSD1 (nuclear receptor binding SET domain protein 1; plus strand). Cytogenetic location: 5q35.3.
Variant type: single nucleotide variant.
Coding change: c.640A>G on transcript NM_022455.5 (MANE Select); coding-DNA position 640, A replaced by G.
Protein change: p.Thr214Ala; replaces threonine 214 with alanine.
Molecular consequence: missense variant. On other transcripts: intron variant (8).
Genome position (GRCh38, 1-based): chr5:177,135,743, A>G. VCF-style: chr5-177135743-A-G. GRCh37 (hg19) VCF-style: chr5-176562744-A-G.
Other names: c.640A>G, p.Thr214Ala (NM_001409301.1, NM_001409302.1, NM_001409303.1); c.418-198A>G (NM_001409304.1); c.-36-198A>G (NM_001409305.1, NM_001409306.1, NM_001409308.1 and 4 more transcripts); short protein forms T214A.
Identifiers: ClinVar variation 3342172 (VCV003342172.16).
Genomic context (GRCh38, chr5:177,135,743, plus strand): 5'-AATTATGAGACTAAATCAGAGAATGGTGTAAAAGTGGCCATGGGAAGTGAACAAGACAGC[A>G]CACCAGAGAGTAGACACGGTGCAGTCAAATCGCCATTCTTGCCATTAGCTCCTCAGACTG-3'
Protein context (NP_071900.2, residues 204-224): KVAMGSEQDS[Thr214Ala]PESRHGAVKS

ClinVar aggregate classification (germline): Uncertain significance (1 of 4 stars; one submission).

Submission:

CeGaT Center for Human Genetics Tuebingen
Classification: Uncertain significance. Last evaluated: 2024-08-01. Review status: criteria provided, single submitter. Criteria: CeGaT Center For Human Genetics Tuebingen Variant Classification Criteria Version 2. Collection method: clinical testing. Allele origin: germline. Affected: yes. Observed: 1 variant allele.
Comment: NSD1: PM2